The following is an entry in ClinVar:

NM_004398.4(DDX10):c.1334A>G (p.Glu445Gly)

Gene: DDX10 (DEAD-box helicase 10; plus strand). Cytogenetic location: 11q22.3.
Variant type: single nucleotide variant.
Coding change: c.1334A>G on transcript NM_004398.4 (MANE Select); coding-DNA position 1334, A replaced by G.
Protein change: p.Glu445Gly; replaces glutamic acid 445 with glycine.
Molecular consequence: missense variant.
Genome position (GRCh38, 1-based): chr11:108,715,890, A>G. VCF-style: chr11-108715890-A-G. GRCh37 (hg19) VCF-style: chr11-108586617-A-G.
Other names: c.1334A>G (NM_004398.3); short protein forms E445G.
Identifiers: ClinVar variation 218632 (VCV000218632.4), dbSNP rs116953461, ClinGen allele CA249102.
Genomic context (GRCh38, chr11:108,715,890, plus strand): 5'-CTCCAAATTTGAGATATCTTATTTTAACCTTTATCTTTTTGTTACAAAGAATCAATCCAG[A>G]AAAACTTATAGATGTCCAGAAAAAATTGGAATCTATTTTAGCTCAAGATCAAGATTTAAA-3'
Protein context (NP_004389.2, residues 435-455): VPVKEIKINP[Glu445Gly]KLIDVQKKLE

ClinVar aggregate classification (germline): Benign. Review status: criteria provided, multiple submitters, no conflicts (2 of 4 stars). 3 submissions from 3 submitters: Benign (2). 1 of the submissions does not count toward it. Last evaluated 2015-06-05.

Conditions:
DDX10-related disorder. Also called: DDX10-related condition.

Allele frequency attached by ClinVar (database versions not stated): 1000 Genomes Project 30x 0.00203; gnomAD exomes 0.00448 and 0.00624; 1000 Genomes Project 0.00200; gnomAD 0.00472 and 0.00468; ExAC 0.00605; TOPMed 0.00386; ESP Exome Variant Server 0.00433.
gnomAD v4.1: 9,225 of 1,513,250 alleles (0.61%); highest among the groups gnomAD compares: Non-Finnish European, 0.73%; 31 homozygotes.

Submissions (3):

Genomic Diagnostic Laboratory, Division of Genomic Diagnostics, Children's Hospital of Philadelphia
Classification: Benign. Last evaluated: 2015-06-05. Review status: criteria provided, single submitter. Criteria: DGD Variant Analysis Guidelines. Collection method: clinical testing. Allele origin: unknown.

Breakthrough Genomics
Classification: Benign. Review status: criteria provided, single submitter. Criteria: ACMG Guidelines, 2015. Collection method: not provided. Allele origin: germline. Inheritance: Unknown mechanism. Affected: yes.

PreventionGenetics, part of Exact Sciences
Classification: Likely benign for DDX10-related condition. Last evaluated: 2019-12-09. Review status: no assertion criteria provided. Collection method: clinical testing. Allele origin: germline. Not counted in ClinVar's aggregate classification.
Comment: This variant is classified as likely benign based on ACMG/AMP sequence variant interpretation guidelines (Richards et al. 2015 PMID: 25741868, with internal and published modifications).